The following is an entry in ClinVar:

NM_000222.3(KIT):c.484T>G (p.Phe162Val)

Gene: KIT (KIT proto-oncogene, receptor tyrosine kinase; plus strand). Cytogenetic location: 4q12.
Variant type: single nucleotide variant.
Coding change: c.484T>G on transcript NM_000222.3 (MANE Select); coding-DNA position 484, T replaced by G.
Protein change: p.Phe162Val; replaces phenylalanine 162 with valine.
Molecular consequence: missense variant.
Genome position (GRCh38, 1-based): chr4:54,698,430, T>G. VCF-style: chr4-54698430-T-G. GRCh37 (hg19) VCF-style: chr4-55564596-T-G.
Other names: c.484T>G, p.Phe162Val (NM_001093772.2, NM_001385284.1, NM_001385285.1 and 4 more transcripts); short protein forms F162V.
Identifiers: ClinVar variation 41602 (VCV000041602.18), dbSNP rs201222895, ClinGen allele CA215593.

ClinVar aggregate classification (germline): Uncertain significance. Review status: criteria provided, multiple submitters, no conflicts (2 of 4 stars). 3 submissions from 3 submitters: Uncertain significance (2). 1 of the submissions does not count toward it. Last evaluated 2025-03-12.

Conditions:
Hereditary cancer-predisposing syndrome. Also called: Hereditary Cancer Syndrome; Tumor predisposition; Neoplastic Syndromes, Hereditary; Hereditary neoplastic syndrome. Identifiers: Orphanet 140162, MedGen C0027672, MeSH D009386, MONDO:0015356.
Gastrointestinal stromal tumor. Also called: Gastrointestinal stromal tumor, somatic; Gastrointestinal stroma tumor. Identifiers: Orphanet 44890, MedGen C0238198, MeSH D046152, MONDO:0011719, OMIM 606764, HP:0100723.

Allele frequency attached by ClinVar (database versions not stated): gnomAD exomes below 0.00001.
gnomAD v4.1: 1 of 1,614,072 alleles (0.000062%); highest among the groups gnomAD compares: Non-Finnish European, 0.000085%; no homozygotes.

Submissions (3):

Ambry Genetics
Classification: Uncertain significance for Hereditary cancer-predisposing syndrome. Last evaluated: 2025-03-12. Review status: criteria provided, single submitter. Criteria: Ambry Variant Classification Scheme 2023. Collection method: clinical testing. Allele origin: germline.
Comment: The p.F162V variant (also known as c.484T>G), located in coding exon 3 of the KIT gene, results from a T to G substitution at nucleotide position 484. The phenylalanine at codon 162 is replaced by valine, an amino acid with highly similar properties. This amino acid position is conserved. In addition, the in silico prediction for this alteration is inconclusive. Based on the available evidence, the clinical significance of this variant remains unclear.

Labcorp Genetics (formerly Invitae), Labcorp
Classification: Uncertain significance for Gastrointestinal stromal tumor. Last evaluated: 2025-01-21. Review status: criteria provided, single submitter. Criteria: Invitae Variant Classification Sherloc (09022015). Collection method: clinical testing. Allele origin: germline.
Comment: This sequence change replaces phenylalanine, which is neutral and non-polar, with valine, which is neutral and non-polar, at codon 162 of the KIT protein (p.Phe162Val). This variant is not present in population databases (gnomAD no frequency). This variant has not been reported in the literature in individuals affected with KIT-related conditions. ClinVar contains an entry for this variant (Variation ID: 41602). An algorithm developed to predict the effect of missense changes on protein structure and function (PolyPhen-2) suggests that this variant is likely to be disruptive. In summary, the available evidence is currently insufficient to determine the role of this variant in disease. Therefore, it has been classified as a Variant of Uncertain Significance.

Biesecker Lab/Clinical Genomics Section, National Institutes of Health
Classification: Uncertain significance. Last evaluated: 2012-07-13. Review status: no assertion criteria provided. Collection method: research. Allele origin: germline. Affected: no. Observed: 1 variant allele. Study: ClinSeq. Not counted in ClinVar's aggregate classification.
ClinVar note: Converted during submission from variant of unknown significance to Uncertain significance.